The following is an entry in ClinVar:

ClinVar aggregate classification (germline): Likely benign (1 of 4 stars; one submission).

Submission:

GeneDx
Classification: Likely benign. Last evaluated: 2017-08-01. Review status: criteria provided, single submitter. Criteria: GeneDx Variant Classification (06012015). Collection method: clinical testing. Allele origin: germline. Affected: yes.
Comment: This variant is considered likely benign or benign based on one or more of the following criteria: it is a conservative change, it occurs at a poorly conserved position in the protein, it is predicted to be benign by multiple in silico algorithms, and/or has population frequency not consistent with disease.

NM_006876.3(B4GAT1):c.-18C>T

Gene: B4GAT1 (beta-1,4-glucuronyltransferase 1; minus strand). Cytogenetic location: 11q13.2.
Variant type: single nucleotide variant.
Coding change: c.-18C>T on transcript NM_006876.3 (MANE Select); 18 bases upstream of the start codon, C replaced by T.
Molecular consequence: 5 prime UTR variant.
Genome position (GRCh38, 1-based): chr11:66,347,563, G>A on the plus strand (C>T on the coding strand, the complement: B4GAT1 is on the minus strand). VCF-style: chr11-66347563-G-A. GRCh37 (hg19) VCF-style: chr11-66115034-G-A.
Identifiers: ClinVar variation 511266 (VCV000511266.1), dbSNP rs1555016701, ClinGen allele CA658797684.
Genomic context (GRCh38, chr11:66,347,563, plus strand): 5'-GCAGCTGGTAGAAGGCGCACCGGATGGCGTAGGACATCTGCATGGCTCTCGGGGCTCGGG[G>A]CGCGCAGCAACGACCACCCGGCCACAGACTACGCCAGCGGCCGCAAGCCCGGATTTACCG-3'